The following is an entry in ClinVar:

NM_020699.4(GATAD2B):c.1196del (p.Gln399fs)

Gene: GATAD2B (GATA zinc finger domain containing 2B; minus strand). Cytogenetic location: 1q21.3.
Variant type: Deletion.
Coding change: c.1196del on transcript NM_020699.4 (MANE Select); coding-DNA position 1196, one base deleted (A; older notation c.1196delA).
Protein change: p.Gln399fs; shifts the reading frame from glutamine 399.
Molecular consequence: frameshift variant.
Genome position (GRCh38, 1-based): chr1:153,816,293, T deleted on the plus strand (A on the coding strand, the reverse complement: GATAD2B is on the minus strand). VCF-style (leftmost placement, unchanged base first): chr1-153816292-CT-C. GRCh37 (hg19) VCF-style: chr1-153788768-CT-C.
Other names: short protein forms Q399fs.
Identifiers: ClinVar variation 450045 (VCV000450045.3), dbSNP rs1553188054, ClinGen allele CA658656958.

ClinVar aggregate classification (germline): Pathogenic (1 of 4 stars; one submission).

Conditions:
GATAD2B-related disorder. Also called: GATAD2B-related condition.

Submission:

GeneDx
Classification: Pathogenic. Last evaluated: 2017-06-26. Review status: criteria provided, single submitter. Criteria: GeneDx Variant Classification (06012015). Collection method: clinical testing. Allele origin: germline. Affected: yes.
Comment: The c.1196delA variant in the GATAD2B gene has not been reported previously as a pathogenic variant nor as a benign variant, to our knowledge. The c.1196delA variant causes a frameshift starting with codon Glutamine 399, changes this amino acid to an Arginine residue, and creates a premature Stop codon at position 47 of the new reading frame, denoted p.Gln399ArgfsX47. This variant is predicted to cause loss of normal protein function either through protein truncation or nonsense-mediated mRNA decay. The c.1196delA variant is not observed in large population cohorts (Lek et al., 2016; 1000 Genomes Consortium et al., 2015; Exome Variant Server). We interpret c.1196delA as a pathogenic variant